The following is an entry in ClinVar:

Single allele

Genes: OCA2 (OCA2 melanosomal transmembrane protein; minus strand), LOC132090298 (Neanderthal introgressed variant-containing enhancer experimental_39258; plus strand), LOC132090299 (Neanderthal introgressed variant-containing enhancer experimental_39278; plus strand). Cytogenetic location: 15q13.1.
Variant type: Complex.
Identifiers: ClinVar variation 4077123 (VCV004077123.1).

ClinVar aggregate classification (germline): Pathogenic (1 of 4 stars; one submission).

Conditions:
SKIN/HAIR/EYE PIGMENTATION 1, BLUE/NONBLUE EYES (SHEP1). Also called: BROWN EYE COLOR 2; EYE COLOR 3; EYE COLOR, BLUE/NONBLUE; EYE COLOR, BROWN/BLUE; HAIR COLOR 3; SKIN/HAIR/EYE PIGMENTATION 1, BLOND/BROWN HAIR. Identifiers: MedGen C1856895, OMIM 227220.
Tyrosinase-positive oculocutaneous albinism (OCA2). Also called: ALBINISM II; Oculocutaneous albinism type 2; Albinism, oculocutaneous, type II. Identifiers: Orphanet 79432, MedGen C0268495, MONDO:0008746, OMIM 203200.

Submission:

Laboratory of Genetic Epidemiology, Research Centre for Medical Genetics
Classification: Pathogenic for SKIN/HAIR/EYE PIGMENTATION 1, BLUE/NONBLUE EYES; Tyrosinase-positive oculocutaneous albinism. Last evaluated: 2025-01-01. Review status: criteria provided, single submitter. Criteria: ACMG Guidelines, 2015. Collection method: clinical testing. Allele origin: paternal. Inheritance: Autosomal recessive inheritance. Affected: yes. Observed: 1 compound heterozygote.
Comment: The complex structural variant NC_000015.10:g.27874778_28094256delins[28058639_28091875;CCTGGTTGTAGGTCTAACCTGGTTAGAATCA;27898079_28040821inv;G] , p.? was identified in 9 probands diagnosed with albinism, in two cases in homozygous state. The complex rearragement was previously described (PMID: 21085994). The rearrangement involves the majority of the OCA2 gene and is predicted to impact mRNA expression. Taken together, the variant meets the following ACMG/AMP criteria and can be classified as pathogenic with PM2, PVS1, PM3, PP5, PP4 criteria.

Literature cited by the submitters: PubMed 21085994; PubMed 41428507.